The following is an entry in ClinVar:

NM_016333.4(SRRM2):c.3455C>T (p.Ser1152Phe)

Gene: SRRM2 (serine/arginine repetitive matrix 2; plus strand). Cytogenetic location: 16p13.3.
Variant type: single nucleotide variant.
Coding change: c.3455C>T on transcript NM_016333.4 (MANE Select); coding-DNA position 3455, C replaced by T.
Protein change: p.Ser1152Phe; replaces serine 1152 with phenylalanine.
Molecular consequence: missense variant.
Genome position (GRCh38, 1-based): chr16:2,763,983, C>T. VCF-style: chr16-2763983-C-T. GRCh37 (hg19) VCF-style: chr16-2813984-C-T.
Other names: short protein forms S1152F.
Identifiers: ClinVar variation 3378332 (VCV003378332.2).

ClinVar aggregate classification (germline): Uncertain significance. Review status: criteria provided, multiple submitters, no conflicts (2 of 4 stars). 2 submissions from 2 submitters: Uncertain significance (2). Last evaluated 2025-08-23.

Conditions:
Inborn genetic diseases. Identifiers: MedGen C0950123, MeSH D030342.

Submissions (2):

Ambry Genetics
Classification: Uncertain significance for Inborn genetic diseases. Last evaluated: 2025-08-23. Review status: criteria provided, single submitter. Criteria: Ambry Variant Classification Scheme 2023. Collection method: clinical testing. Allele origin: germline.

GeneDx
Classification: Uncertain significance. Last evaluated: 2024-05-12. Review status: criteria provided, single submitter. Criteria: GeneDx Variant Classification Process June 2021. Collection method: clinical testing. Allele origin: germline. Affected: yes.
Comment: Not observed at significant frequency in large population cohorts (gnomAD); In silico analysis supports that this missense variant has a deleterious effect on protein structure/function; Has not been previously published as pathogenic or benign to our knowledge